The following is an entry in ClinVar:

ClinVar aggregate classification (germline): Uncertain significance (1 of 4 stars; one submission).

Conditions:
Multiple gastrointestinal atresias. Also called: FAMILIAL INTESTINAL POLYATRESIA SYNDROME; Multiple intestinal atresia. Identifiers: Orphanet 2300, MedGen C0220744, MONDO:0009465.

gnomAD v4.1: 35 of 1,613,638 alleles (0.0022%); highest among the groups gnomAD compares: African/African-American, 0.02%; no homozygotes.

Submission:

Labcorp Genetics (formerly Invitae), Labcorp
Classification: Uncertain significance for Multiple gastrointestinal atresias. Last evaluated: 2025-08-09. Review status: criteria provided, single submitter. Criteria: Invitae Variant Classification Sherloc (09022015). Collection method: clinical testing. Allele origin: germline.
Comment: This sequence change replaces alanine, which is neutral and non-polar, with threonine, which is neutral and polar, at codon 207 of the TTC7A protein (p.Ala207Thr). This variant is present in population databases (rs754942124, gnomAD 0.008%). This variant has not been reported in the literature in individuals affected with TTC7A-related conditions. Invitae Evidence Modeling of protein sequence and biophysical properties (such as structural, functional, and spatial information, amino acid conservation, physicochemical variation, residue mobility, and thermodynamic stability) indicates that this missense variant is not expected to disrupt TTC7A protein function with a negative predictive value of 80%. In summary, the available evidence is currently insufficient to determine the role of this variant in disease. Therefore, it has been classified as a Variant of Uncertain Significance.

NM_020458.4(TTC7A):c.619G>A (p.Ala207Thr)

Genes: TTC7A (tetratricopeptide repeat domain 7A; plus strand), LOC126806211 (CDK7 strongly-dependent group 2 enhancer GRCh37_chr2:47201305-47202504; plus strand). Cytogenetic location: 2p21.
Variant type: single nucleotide variant.
Coding change: c.619G>A on transcript NM_020458.4 (MANE Select); coding-DNA position 619, G replaced by A.
Protein change: p.Ala207Thr; replaces alanine 207 with threonine.
Molecular consequence: missense variant. On other transcripts: 5 prime UTR variant (1).
Genome position (GRCh38, 1-based): chr2:46,975,074, G>A. VCF-style: chr2-46975074-G-A. GRCh37 (hg19) VCF-style: chr2-47202213-G-A.
Other names: c.619G>A, p.Ala207Thr (NM_001288951.2); c.517G>A, p.Ala173Thr (NM_001288953.2); c.-286G>A (NM_001288955.2); short protein forms A207T, A173T.
Identifiers: ClinVar variation 4752459 (VCV004752459.1).